The following is an entry in ClinVar:

ClinVar aggregate classification (germline): Uncertain significance (1 of 4 stars; one submission).

Submission:

Labcorp Genetics (formerly Invitae), Labcorp
Classification: Uncertain significance. Last evaluated: 2021-04-02. Review status: criteria provided, single submitter. Criteria: Invitae Variant Classification Sherloc (09022015). Collection method: clinical testing. Allele origin: germline.
Comment: This variant is not present in population databases (ExAC no frequency). This variant has not been reported in the literature in individuals with WNT4-related conditions. Algorithms developed to predict the effect of missense changes on protein structure and function (SIFT, PolyPhen-2, Align-GVGD) all suggest that this variant is likely to be disruptive, but these predictions have not been confirmed by published functional studies and their clinical significance is uncertain. In summary, the available evidence is currently insufficient to determine the role of this variant in disease. Therefore, it has been classified as a Variant of Uncertain Significance. This sequence change replaces aspartic acid with valine at codon 93 of the WNT4 protein (p.Asp93Val). The aspartic acid residue is highly conserved and there is a large physicochemical difference between aspartic acid and valine.

NM_030761.5(WNT4):c.278A>T (p.Asp93Val)

Gene: WNT4 (Wnt family member 4; minus strand). Cytogenetic location: 1p36.12.
Variant type: single nucleotide variant.
Coding change: c.278A>T on transcript NM_030761.5 (MANE Select); coding-DNA position 278, A replaced by T.
Protein change: p.Asp93Val; replaces aspartic acid 93 with valine.
Molecular consequence: missense variant.
Genome position (GRCh38, 1-based): chr1:22,129,651, T>A on the plus strand (A>T on the coding strand, the complement: WNT4 is on the minus strand). VCF-style: chr1-22129651-T-A. GRCh37 (hg19) VCF-style: chr1-22456144-T-A.
Other names: short protein forms D93V.
Identifiers: ClinVar variation 1483909 (VCV001483909.8), dbSNP rs2124118375, ClinGen allele CA338920494.